The following is an entry in ClinVar:

NM_004972.4(JAK2):c.1853G>C (p.Cys618Ser)

Genes: INSL6 (insulin like 6; minus strand), JAK2 (Janus kinase 2; plus strand). Cytogenetic location: 9p24.1.
Variant type: single nucleotide variant.
Coding change: c.1853G>C on transcript NM_004972.4 (MANE Select); coding-DNA position 1853, G replaced by C.
Protein change: p.Cys618Ser; replaces cysteine 618 with serine.
Molecular consequence: missense variant. On other transcripts: non-coding transcript variant (2).
Genome position (GRCh38, 1-based): chr9:5,073,774, G>C. VCF-style: chr9-5073774-G-C. GRCh37 (hg19) VCF-style: chr9-5073774-G-C.
Other names: c.1853G>C, p.Cys618Ser (NM_001322194.2, NM_001322195.2, NM_001322196.2); c.638G>C, p.Cys213Ser (NM_001322198.2, NM_001322199.2); c.1406G>C, p.Cys469Ser (NM_001322204.2); short protein forms C213S, C469S, C618S.
Identifiers: ClinVar variation 3344820 (VCV003344820.2).

ClinVar aggregate classification (germline): Uncertain significance. Review status: criteria provided, single submitter (1 of 4 stars). 2 submissions from 2 submitters: Uncertain significance (1). 1 of the submissions does not count toward it. Last evaluated 2025-01-08.

Conditions:
JAK2-related disorder. Also called: JAK2-related condition.

gnomAD v4.1: 9 of 1,604,134 alleles (0.00056%); highest among the groups gnomAD compares: Non-Finnish European, 0.00077%; no homozygotes.

Submissions (2):

GeneDx
Classification: Uncertain significance. Last evaluated: 2025-01-08. Review status: criteria provided, single submitter. Criteria: GeneDx Variant Classification Process June 2021. Collection method: clinical testing. Allele origin: germline. Affected: yes.
Comment: Not observed at significant frequency in large population cohorts (gnomAD); In silico analysis indicates that this missense variant does not alter protein structure/function; Has not been previously published as pathogenic or benign to our knowledge

PreventionGenetics, part of Exact Sciences
Classification: Uncertain significance for JAK2-related condition. Last evaluated: 2024-07-29. Review status: no assertion criteria provided. Collection method: clinical testing. Allele origin: germline. Not counted in ClinVar's aggregate classification.
Comment: The JAK2 c.1853G>C variant is predicted to result in the amino acid substitution p.Cys618Ser. To our knowledge, this variant has not been reported in the literature or in a large population database, indicating this variant is rare. At this time, the clinical significance of this variant is uncertain due to the absence of conclusive functional and genetic evidence.